The following is an entry in ClinVar:

NM_001376.5(DYNC1H1):c.5546A>G (p.Lys1849Arg)

Gene: DYNC1H1 (dynein cytoplasmic 1 heavy chain 1; plus strand). Cytogenetic location: 14q32.31.
Variant type: single nucleotide variant.
Coding change: c.5546A>G on transcript NM_001376.5 (MANE Select); coding-DNA position 5546, A replaced by G.
Protein change: p.Lys1849Arg; replaces lysine 1849 with arginine.
Molecular consequence: missense variant.
Genome position (GRCh38, 1-based): chr14:102,006,000, A>G. VCF-style: chr14-102006000-A-G. GRCh37 (hg19) VCF-style: chr14-102472337-A-G.
Other names: short protein forms K1849R.
Identifiers: ClinVar variation 5009336 (VCV005009336.1).

ClinVar aggregate classification (germline): Uncertain significance (1 of 4 stars; one submission).

Submission:

GeneDx
Classification: Uncertain significance. Last evaluated: 2026-03-20. Review status: criteria provided, single submitter. Criteria: GeneDx Variant Classification Process June 2021. Collection method: clinical testing. Allele origin: germline.
Comment: Not observed at significant frequency in large population cohorts (gnomAD); In silico analysis suggests that this missense variant does not alter protein structure/function; Has not been previously published as pathogenic or benign to our knowledge; This variant is associated with the following publications: (PMID: 25512093, 25609763, 26100331)